The following is an entry in ClinVar:

ClinVar aggregate classification (germline): Likely benign. Review status: criteria provided, multiple submitters, no conflicts (2 of 4 stars). 2 submissions from 2 submitters: Likely benign (2). Last evaluated 2026-03-27.

gnomAD v4.1: 2,310 of 1,596,956 alleles (0.14%); highest among the groups gnomAD compares: Non-Finnish European, 0.18%; 2 homozygotes.

Submissions (2):

Molecular Diagnostic Laboratory for Inherited Cardiovascular Disease, Montreal Heart Institute
Classification: Likely benign. Last evaluated: 2026-03-27. Review status: criteria provided, single submitter. Criteria: ACMG Guidelines, 2015. Collection method: clinical testing. Allele origin: germline. Affected: no.
Comment: BS1;BP7

CeGaT Center for Human Genetics Tuebingen
Classification: Likely benign. Last evaluated: 2024-10-01. Review status: criteria provided, single submitter. Criteria: CeGaT Center For Human Genetics Tuebingen Variant Classification Criteria Version 2. Collection method: clinical testing. Allele origin: germline. Affected: yes. Observed: 1 variant allele.
Comment: SLC4A3: BP4, BP7

NM_005070.4(SLC4A3):c.15G>C (p.Val5=)

Gene: SLC4A3 (solute carrier family 4 member 3; plus strand). Cytogenetic location: 2q35.
Variant type: single nucleotide variant.
Coding change: c.15G>C on transcript NM_005070.4 (MANE Select); coding-DNA position 15, G replaced by C.
Protein change: p.Val5=; no amino-acid change (valine 5 retained).
Molecular consequence: synonymous variant. On other transcripts: non-coding transcript variant (1).
Genome position (GRCh38, 1-based): chr2:219,628,007, G>C. VCF-style: chr2-219628007-G-C. GRCh37 (hg19) VCF-style: chr2-220492729-G-C.
Other names: c.15G>C, p.Val5= (NM_001326559.2, NM_201574.3); c.15G>C (NM_005070.3).
Identifiers: ClinVar variation 3388175 (VCV003388175.14), dbSNP rs201694646.